The following is an entry in ClinVar:

NM_020937.4(FANCM):c.682-3A>C

Gene: FANCM (FA complementation group M; plus strand). Cytogenetic location: 14q21.2.
Variant type: single nucleotide variant.
Coding change: c.682-3A>C on transcript NM_020937.4 (MANE Select); 3 bases into the intron before coding-DNA position 682, A replaced by C.
Molecular consequence: intron variant.
Genome position (GRCh38, 1-based): chr14:45,140,629, A>C. VCF-style: chr14-45140629-A-C. GRCh37 (hg19) VCF-style: chr14-45609832-A-C.
Other names: c.681+3388A>C (NM_001308133.2); c.682-3A>C (NM_001308134.2).
Identifiers: ClinVar variation 4811015 (VCV004811015.1).

ClinVar aggregate classification (germline): Uncertain significance (1 of 4 stars; one submission).

Conditions:
Fanconi anemia (FA). Also called: Fanconi's anemia. Identifiers: Orphanet 84, MedGen C0015625, MeSH D005199, MONDO:0019391.

Submission:

Labcorp Genetics (formerly Invitae), Labcorp
Classification: Uncertain significance for Fanconi anemia. Last evaluated: 2025-09-05. Review status: criteria provided, single submitter. Criteria: Invitae Variant Classification Sherloc (09022015). Collection method: clinical testing. Allele origin: germline.
Comment: This sequence change falls in intron 2 of the FANCM gene. It does not directly change the encoded amino acid sequence of the FANCM protein. It affects a nucleotide within the consensus splice site. This variant is present in population databases (rs368607077, gnomAD 0.0009%). This variant has not been reported in the literature in individuals affected with FANCM-related conditions. Variants that disrupt the consensus splice site are a relatively common cause of aberrant splicing (PMID: 17576681, 9536098). Algorithms developed to predict the effect of sequence changes on RNA splicing suggest that this variant is not likely to affect RNA splicing. In summary, the available evidence is currently insufficient to determine the role of this variant in disease. Therefore, it has been classified as a Variant of Uncertain Significance.

Literature cited by the submitters: PubMed 17576681; PubMed 9536098.